The following is an entry in ClinVar:

NM_006514.4(SCN10A):c.3040G>A (p.Gly1014Arg)

Genes: SCN10A (sodium voltage-gated channel alpha subunit 10; minus strand), LOC110121288 (VISTA enhancer hs2268; plus strand). Cytogenetic location: 3p22.2.
Variant type: single nucleotide variant.
Coding change: c.3040G>A on transcript NM_006514.4 (MANE Select); coding-DNA position 3040, G replaced by A.
Protein change: p.Gly1014Arg; replaces glycine 1014 with arginine.
Molecular consequence: missense variant.
Genome position (GRCh38, 1-based): chr3:38,726,653, C>T on the plus strand (G>A on the coding strand, the complement: SCN10A is on the minus strand). VCF-style: chr3-38726653-C-T. GRCh37 (hg19) VCF-style: chr3-38768144-C-T.
Other names: c.3040G>A, p.Gly1014Arg (NM_001293306.2); c.2746G>A, p.Gly916Arg (NM_001293307.2); short protein forms G1014R, G916R.
Identifiers: ClinVar variation 4822829 (VCV004822829.4).

ClinVar aggregate classification (germline): Uncertain significance (1 of 4 stars; one submission).

gnomAD v4.1: 1 of 1,604,608 alleles (0.000062%); highest among the groups gnomAD compares: Non-Finnish European, 0.000085%; no homozygotes.

Submission:

CeGaT Center for Human Genetics Tuebingen
Classification: Uncertain significance. Last evaluated: 2026-01-01. Review status: criteria provided, single submitter. Criteria: CeGaT Center For Human Genetics Tuebingen Variant Classification Criteria Version 2. Collection method: clinical testing. Allele origin: germline. Affected: yes. Observed: 1 variant allele.
Comment: SCN10A: PM2, BP4